The following is an entry in ClinVar:

ClinVar aggregate classification (germline): Pathogenic. Review status: criteria provided, multiple submitters, no conflicts (2 of 4 stars). 2 submissions from 2 submitters: Pathogenic (2). Last evaluated 2025-01-23.

Conditions:
Chronic granulomatous disease. Identifiers: Orphanet 379, MedGen C0018203, MONDO:0018305.
Granulomatous disease, chronic, autosomal recessive, cytochrome b-positive, type 3. Also called: Granulomatous disease, chronic, autosomal recessive, cytochrome b-positive, type III; GRANULOMATOUS DISEASE, CHRONIC, AUTOSOMAL RECESSIVE, 3; CGD, AUTOSOMAL RECESSIVE CYTOCHROME b-POSITIVE, TYPE III; GRANULOMATOUS DISEASE, CHRONIC, DUE TO NCF4 DEFICIENCY. Identifiers: Orphanet 379, MedGen C3151409, MONDO:0013507, OMIM 613960.

Submissions (2):

Women's Health and Genetics/Laboratory Corporation of America, LabCorp
Classification: Pathogenic for Chronic granulomatous disease. Last evaluated: 2025-01-23. Review status: criteria provided, single submitter. Criteria: LabCorp Variant Classification Summary - May 2015. Collection method: clinical testing. Allele origin: germline.
Comment: Variant summary: NCF4 c.964C>T (p.Gln322X) results in a premature termination codon, predicted to cause a truncation of the encoded protein or absence of the protein due to nonsense mediated decay, which are commonly known mechanisms for disease. The frequency data for this variant in gnomAD is considered unreliable, as metrics indicate poor data quality at this position. To our knowledge, no occurrence of c.964C>T in individuals affected with Chronic Granulomatous Disease and no experimental evidence demonstrating its impact on protein function have been reported. ClinVar contains an entry for this variant (Variation ID: 2429239). Based on the evidence outlined above, the variant was classified as pathogenic.

Labcorp Genetics (formerly Invitae), Labcorp
Classification: Pathogenic for Granulomatous disease, chronic, autosomal recessive, cytochrome b-positive, type 3. Last evaluated: 2023-07-31. Review status: criteria provided, single submitter. Criteria: Invitae Variant Classification Sherloc (09022015). Collection method: clinical testing. Allele origin: germline.
Comment: For these reasons, this variant has been classified as Pathogenic. ClinVar contains an entry for this variant (Variation ID: 2429239). This variant has not been reported in the literature in individuals affected with NCF4-related conditions. This variant is not present in population databases (gnomAD no frequency). This sequence change creates a premature translational stop signal (p.Gln322*) in the NCF4 gene. It is expected to result in an absent or disrupted protein product. Loss-of-function variants in NCF4 are known to be pathogenic (PMID: 16880254, 19692703, 20167518).

Literature cited by the submitters: PubMed 16880254 (cited by Labcorp Genetics (formerly Invitae), Labcorp); PubMed 19692703 (cited by Labcorp Genetics (formerly Invitae), Labcorp); PubMed 20167518 (cited by Labcorp Genetics (formerly Invitae), Labcorp).

NM_000631.5(NCF4):c.759-40C>T

Gene: NCF4 (neutrophil cytosolic factor 4; plus strand). Cytogenetic location: 22q12.3.
Variant type: single nucleotide variant.
Coding change: c.759-40C>T on transcript NM_000631.5 (MANE Select); 40 bases into the intron before coding-DNA position 759, C replaced by T.
Molecular consequence: intron variant. On other transcripts: nonsense (1).
Genome position (GRCh38, 1-based): chr22:36,875,989, C>T. VCF-style: chr22-36875989-C-T. GRCh37 (hg19) VCF-style: chr22-37272031-C-T.
Other names: c.964C>T, p.Gln322Ter (NM_013416.4); short protein forms Q322*.
Identifiers: ClinVar variation 2429239 (VCV002429239.7), dbSNP rs1940184559, ClinGen allele CA411390187.